The following is an entry in ClinVar:

NM_152443.3(RDH12):c.619A>G (p.Asn207Asp)

Genes: GPHN (gephyrin; plus strand), RDH12 (retinol dehydrogenase 12; plus strand). Cytogenetic location: 14q24.1.
Variant type: single nucleotide variant.
Coding change: c.619A>G on transcript NM_152443.3 (MANE Select); coding-DNA position 619, A replaced by G.
Protein change: p.Asn207Asp; replaces asparagine 207 with aspartic acid.
Molecular consequence: missense variant.
Genome position (GRCh38, 1-based): chr14:67,727,151, A>G. VCF-style: chr14-67727151-A-G. GRCh37 (hg19) VCF-style: chr14-68193868-A-G.
Other names: short protein forms N207D.
Identifiers: ClinVar variation 805924 (VCV000805924.14), dbSNP rs745871149, ClinGen allele CA7238762.

ClinVar aggregate classification (germline): Pathogenic/Likely pathogenic. Review status: criteria provided, multiple submitters, no conflicts (2 of 4 stars). 7 submissions from 7 submitters: Pathogenic (2); Likely pathogenic (2). 3 of the submissions do not count toward it. Last evaluated 2026-09-09.

Conditions:
RDH12-related disorder. Also called: RDH12-related condition; RDH12-related disorders.
Retinal disorder. Also called: Retinopathies; Retinal Diseases; Retinal disorders; Retinopathy. Identifiers: MedGen C0035309, MONDO:0005283, HP:0000488.
Macular dystrophy. Identifiers: MedGen C0730292, HP:0007754.
Leber congenital amaurosis 13 (LCA13). Identifiers: MedGen C2675186, MONDO:0012990, OMIM 612712.
Leber congenital amaurosis (LCA). Also called: Leber's amaurosis. Identifiers: Orphanet 65, MedGen C0339527, MeSH D057130, MONDO:0018998.

Allele frequency attached by ClinVar (database versions not stated): ExAC 0.00001; gnomAD exomes 0.00001.
gnomAD v4.1: 12 of 1,614,070 alleles (0.00074%); highest among the groups gnomAD compares: South Asian, 0.013%; no homozygotes.

Submissions (7):

Genetics Laboratory, Great Ormond Street Hospital NHS Foundation Trust, North Thames Genomic Laboratory Hub
Classification: Likely pathogenic for Retinal disorders. Last evaluated: 2026-09-09. Review status: criteria provided, single submitter. Criteria: ACGS Best Practice Guidelines for Variant Classification in Rare Disease 2024 v1.2. Collection method: clinical testing. Allele origin: germline. Affected: yes.
Comment: PM2_moderate, PP3_supporting, PM3_strong

Natera, Inc.
Classification: Likely pathogenic for Leber congenital amaurosis. Last evaluated: 2025-06-11. Review status: criteria provided, single submitter. Criteria: Natera Variant Classification Schema (03/2026). Collection method: clinical testing. Allele origin: germline.
Comment: The c.619A>G variant in RDH12 is a missense variant predicted to cause substitution of asparagine to aspartic acid at amino acid 207. This variant is rare in the general population with a frequency below the threshold expected for the associated phenotype(s). This variant has been observed in one or more individuals affected with the associated recessive disease, as either homozygous or compound heterozygous with a second variant (PMID: 37714431, 30979730, 22065924). Additionally, this variant has been observed to segregate in affected family members (PMID: 38927596). Computational prediction algorithms indicate this variant is likely to affect gene or protein function. Given the available evidence, this variant is classified as Likely Pathogenic.

Labcorp Genetics (formerly Invitae), Labcorp
Classification: Pathogenic for Leber congenital amaurosis 13. Last evaluated: 2024-08-27. Review status: criteria provided, single submitter. Criteria: Invitae Variant Classification Sherloc (09022015). Collection method: clinical testing. Allele origin: germline.
Comment: This sequence change replaces asparagine, which is neutral and polar, with aspartic acid, which is acidic and polar, at codon 207 of the RDH12 protein (p.Asn207Asp). This variant is present in population databases (rs745871149, gnomAD 0.007%). This missense change has been observed in individual(s) with autosomal recessive RDH12-related conditions (PMID: 22065924, 30979730, 32014858; internal data). In at least one individual the data is consistent with being in trans (on the opposite chromosome) from a pathogenic variant. ClinVar contains an entry for this variant (Variation ID: 805924). Invitae Evidence Modeling of protein sequence and biophysical properties (such as structural, functional, and spatial information, amino acid conservation, physicochemical variation, residue mobility, and thermodynamic stability) has been performed for this missense variant. However, the output from this modeling did not meet the statistical confidence thresholds required to predict the impact of this variant on RDH12 protein function. For these reasons, this variant has been classified as Pathogenic.

Blueprint Genetics
Classification: Pathogenic for RDH12-related disorders. Last evaluated: 2024-04-09. Review status: criteria provided, single submitter. Criteria: ACMG Guidelines, 2015. Collection method: clinical testing. Allele origin: germline. Affected: yes. Observed: 5 variant alleles.

PreventionGenetics, part of Exact Sciences
Classification: Likely pathogenic for RDH12-related condition. Last evaluated: 2024-07-23. Review status: no assertion criteria provided. Collection method: clinical testing. Allele origin: germline. Not counted in ClinVar's aggregate classification.
Comment: The RDH12 c.619A>G variant is predicted to result in the amino acid substitution p.Asn207Asp. This variant has been reported in the homozygous and compound heterozygous states in individuals with retinal dystrophy (Mackay et al. 2011. PubMed ID: 22065924; Table S1, Fahim et al. 2019. PubMed ID: 30979730; Scott et al. 2020. PubMed ID: 32014858; Supplemental Table, Sheck et al. 2021. PubMed ID: 33749171). This variant is reported in 0.0065% of alleles in individuals of South Asian descent in gnomAD. Given the evidence, we interpret this variant as likely pathogenic.

Ocular Genomics Institute, Massachusetts Eye and Ear
Classification: Likely pathogenic for Macular dystrophy. Last evaluated: 2019-08-01. Review status: no assertion criteria provided. Collection method: clinical testing. Allele origin: germline. Affected: yes. Observed: 2 variant alleles. Not counted in ClinVar's aggregate classification.

Laboratory of Genetics in Ophthalmology, Institut Imagine
Classification: Likely pathogenic for Leber congenital amaurosis 13. Review status: no assertion criteria provided. Collection method: research. Allele origin: inherited. Affected: yes. Observed: 1 variant allele. Not counted in ClinVar's aggregate classification.

Literature cited by the submitters: PubMed 37714431 (cited by Natera, Inc.); PubMed 30979730 (cited by Natera, Inc. and Labcorp Genetics (formerly Invitae), Labcorp); PubMed 22065924 (cited by 3 submitters); PubMed 38927596 (cited by Natera, Inc.); PubMed 32014858 (cited by Labcorp Genetics (formerly Invitae), Labcorp).